The following is an entry in ClinVar:

NM_024675.4(PALB2):c.130A>T (p.Ile44Phe)

Gene: PALB2 (partner and localizer of BRCA2; minus strand). Cytogenetic location: 16p12.2.
Variant type: single nucleotide variant.
Coding change: c.130A>T on transcript NM_024675.4 (MANE Select); coding-DNA position 130, A replaced by T.
Protein change: p.Ile44Phe; replaces isoleucine 44 with phenylalanine.
Molecular consequence: missense variant. On other transcripts: 5 prime UTR variant (8), intron variant (3).
Genome position (GRCh38, 1-based): chr16:23,637,931, T>A on the plus strand (A>T on the coding strand, the complement: PALB2 is on the minus strand). VCF-style: chr16-23637931-T-A. GRCh37 (hg19) VCF-style: chr16-23649252-T-A.
Other names: c.70A>T, p.Ile24Phe (NM_001407296.1); c.130A>T, p.Ile44Phe (NM_001407297.1, NM_001407298.1, NM_001407299.1 and 3 more transcripts); c.-756A>T (NM_001407304.1, NM_001407305.1, NM_001407306.1 and 5 more transcripts); c.48+3179A>T (NM_001407314.1); c.-105+3179A>T (NM_001407313.1, NM_001407312.1); short protein forms I24F, I44F.
Identifiers: ClinVar variation 3927453 (VCV003927453.2).
Genomic context (GRCh38, chr16:23,637,931, plus strand): 5'-AGAGATCCTGCTGAGACAAACAATCTTGTTCTTCTACTGTTTTCTTAATAGAATGCTTAA[T>A]CTTTTCAGCTCTTTGGGCACGCTAGAGGAGACAAAAACAGCCCCAGAAATACGTTTTCTT-3'
Protein context (NP_078951.2, residues 34-54): RLQRAQRAEK[Ile44Phe]KHSIKKTVEE

ClinVar aggregate classification (germline): Uncertain significance. Review status: criteria provided, multiple submitters, no conflicts (2 of 4 stars). 2 submissions from 2 submitters: Uncertain significance (2). Last evaluated 2025-05-31.

Conditions:
Hereditary cancer-predisposing syndrome. Also called: Hereditary Cancer Syndrome; Hereditary neoplastic syndrome; Neoplastic Syndromes, Hereditary; Tumor predisposition. Identifiers: Orphanet 140162, MedGen C0027672, MeSH D009386, MONDO:0015356.
Familial cancer of breast. Also called: Hereditary breast cancer; hereditary breast carcinoma; BREAST CANCER, FAMILIAL. Identifiers: Orphanet 227535, MedGen C0346153, MONDO:0016419, OMIM 114480. Disease mechanism: loss of function.

Submissions (2):

Ambry Genetics
Classification: Uncertain significance for Hereditary cancer-predisposing syndrome. Last evaluated: 2025-05-31. Review status: criteria provided, single submitter. Criteria: Ambry Variant Classification Scheme 2023. Collection method: clinical testing. Allele origin: germline.
Comment: The p.I44F variant (also known as c.130A>T), located in coding exon 3 of the PALB2 gene, results from an A to T substitution at nucleotide position 130. The isoleucine at codon 44 is replaced by phenylalanine, an amino acid with highly similar properties. This amino acid position is conserved. In addition, this alteration is predicted to be tolerated by in silico analysis. Based on the available evidence, the clinical significance of this variant remains unclear.

Labcorp Genetics (formerly Invitae), Labcorp
Classification: Uncertain significance for Familial cancer of breast. Last evaluated: 2025-03-27. Review status: criteria provided, single submitter. Criteria: Invitae Variant Classification Sherloc (09022015). Collection method: clinical testing. Allele origin: germline.
Comment: This sequence change replaces isoleucine, which is neutral and non-polar, with phenylalanine, which is neutral and non-polar, at codon 44 of the PALB2 protein (p.Ile44Phe). This variant is not present in population databases (gnomAD no frequency). This variant has not been reported in the literature in individuals affected with PALB2-related conditions. An algorithm developed to predict the effect of missense changes on protein structure and function outputs the following: PolyPhen-2: "Benign". The phenylalanine amino acid residue is found in multiple mammalian species, which suggests that this missense change does not adversely affect protein function. In summary, the available evidence is currently insufficient to determine the role of this variant in disease. Therefore, it has been classified as a Variant of Uncertain Significance.